The following is an entry in ClinVar:

NM_001134707.2(SARDH):c.915+4221G>A

Gene: SARDH (sarcosine dehydrogenase; minus strand). Cytogenetic location: 9q34.2.
Variant type: single nucleotide variant.
Coding change: c.915+4221G>A on transcript NM_001134707.2 (MANE Select); 4221 bases into the intron after coding-DNA position 915, G replaced by A.
Molecular consequence: intron variant.
Genome position (GRCh38, 1-based): chr9:133,725,544, C>T on the plus strand (G>A on the coding strand, the complement: SARDH is on the minus strand). VCF-style: chr9-133725544-C-T. GRCh37 (hg19) VCF-style: chr9-136590666-C-T.
Other names: c.915+4221G>A (NM_007101.4).
Identifiers: ClinVar variation 2659698 (VCV002659698.24), dbSNP rs117006139, ClinGen allele CA5314591.
Genomic context (GRCh38, chr9:133,725,544, plus strand): 5'-GCAACATGGTGAAACTCCGTCTCTACTAAAATACAAAAAAAAATCAGCCGGGTGTGGTGA[C>T]GGGCACATTTAATCCCAGCTACATGGGAGGCTGAGGCACGAGAATTGCTTGAACCCGGGA-3'

ClinVar aggregate classification (germline): Likely benign (1 of 4 stars; one submission).

Allele frequency attached by ClinVar (database versions not stated): TOPMed 0.00453; ExAC 0.00149; 1000 Genomes Project 0.00160; 1000 Genomes Project 30x 0.00203; gnomAD 0.00378; gnomAD exomes 0.00394.
gnomAD v4.1: 1,724 of 436,536 alleles (0.39%); highest among the groups gnomAD compares: Non-Finnish European, 0.66%; 11 homozygotes.

Submission:

CeGaT Center for Human Genetics Tuebingen
Classification: Likely benign. Last evaluated: 2023-08-01. Review status: criteria provided, single submitter. Criteria: CeGaT Center For Human Genetics Tuebingen Variant Classification Criteria Version 2. Collection method: clinical testing. Allele origin: germline. Affected: yes. Observed: 1 variant allele.
Comment: SARDH: BP4, BS2